The following is an entry in ClinVar:

ClinVar aggregate classification (germline): Uncertain significance (1 of 4 stars; one submission).

Conditions:
Hereditary cancer-predisposing syndrome. Also called: Neoplastic Syndromes, Hereditary; Tumor predisposition; Hereditary neoplastic syndrome; Hereditary Cancer Syndrome. Identifiers: Orphanet 140162, MedGen C0027672, MeSH D009386, MONDO:0015356.
Cardiovascular phenotype. Identifiers: MedGen CN230736.

Submission:

Ambry Genetics
Classification: Uncertain significance for Cardiovascular phenotype; Hereditary cancer-predisposing syndrome. Last evaluated: 2023-04-23. Review status: criteria provided, single submitter. Criteria: Ambry Variant Classification Scheme 2023. Collection method: clinical testing. Allele origin: germline.
Comment: The p.A2368G variant (also known as c.7103C>G), located in coding exon 47 of the NF1 gene, results from a C to G substitution at nucleotide position 7103. The alanine at codon 2368 is replaced by glycine, an amino acid with similar properties. This amino acid position is conserved. In addition, the in silico prediction for this alteration is inconclusive. Since supporting evidence is limited at this time, the clinical significance of this alteration remains unclear.

NM_001042492.3(NF1):c.7166C>G (p.Ala2389Gly)

Gene: NF1 (neurofibromin 1; plus strand). Cytogenetic location: 17q11.2.
Variant type: single nucleotide variant.
Coding change: c.7166C>G on transcript NM_001042492.3 (MANE Select); coding-DNA position 7166, C replaced by G.
Protein change: p.Ala2389Gly; replaces alanine 2389 with glycine.
Molecular consequence: missense variant.
Genome position (GRCh38, 1-based): chr17:31,343,112, C>G. VCF-style: chr17-31343112-C-G. GRCh37 (hg19) VCF-style: chr17-29670130-C-G.
Other names: c.7103C>G, p.Ala2368Gly (NM_000267.4); short protein forms A2368G, A2389G.
Identifiers: ClinVar variation 3237917 (VCV003237917.1), dbSNP rs2151565254.
Genomic context (GRCh38, chr17:31,343,112, plus strand): 5'-GGCACTGCAAGCAAATGGATCATTTTGTTGGACTCAATTTCAACTCTAACTTTAACTTTG[C>G]ATTGGTTGGACACCTTTTAAAAGGTAAAAAAGCCTTATTTAGAATATTTTTATGAAGTAC-3'
Protein context (NP_001035957.1, residues 2379-2399): GLNFNSNFNF[Ala2389Gly]LVGHLLKGYR